The following is an entry in ClinVar:

NM_206933.4(USH2A):c.8842C>T (p.Pro2948Ser)

Gene: USH2A (usherin; minus strand). Cytogenetic location: 1q41.
Variant type: single nucleotide variant.
Coding change: c.8842C>T on transcript NM_206933.4 (MANE Select); coding-DNA position 8842, C replaced by T.
Protein change: p.Pro2948Ser; replaces proline 2948 with serine.
Molecular consequence: missense variant.
Genome position (GRCh38, 1-based): chr1:215,867,010, G>A on the plus strand (C>T on the coding strand, the complement: USH2A is on the minus strand). VCF-style: chr1-215867010-G-A. GRCh37 (hg19) VCF-style: chr1-216040352-G-A.
Other names: short protein forms P2948S.
Identifiers: ClinVar variation 560528 (VCV000560528.5), dbSNP rs142315587, ClinGen allele CA1394492.

ClinVar aggregate classification (germline): Uncertain significance. Review status: criteria provided, multiple submitters, no conflicts (2 of 4 stars). 3 submissions from 3 submitters: Uncertain significance (2). 1 of the submissions does not count toward it. Last evaluated 2021-10-15.

Conditions:
Cone-rod dystrophy. Also called: Cone-rod degeneration; Cone/cone-rod dystrophy. Identifiers: Orphanet 1872, MedGen C4085590, MONDO:0015993, HP:0000548.

Allele frequency attached by ClinVar (database versions not stated): gnomAD exomes below 0.00001; TOPMed below 0.00001; ExAC 0.00001; gnomAD 0.00001 and 0.00002; ESP Exome Variant Server 0.00008.
gnomAD v4.1: 7 of 1,614,012 alleles (0.00043%); highest among the groups gnomAD compares: African/African-American, 0.0093%; no homozygotes.

Submissions (3):

Labcorp Genetics (formerly Invitae), Labcorp
Classification: Uncertain significance. Last evaluated: 2021-10-15. Review status: criteria provided, single submitter. Criteria: Invitae Variant Classification Sherloc (09022015). Collection method: clinical testing. Allele origin: germline.
Comment: This sequence change replaces proline with serine at codon 2948 of the USH2A protein (p.Pro2948Ser). The proline residue is highly conserved and there is a moderate physicochemical difference between proline and serine. This variant is present in population databases (rs142315587, ExAC 0.01%). This variant has not been reported in the literature in individuals with USH2A-related conditions. ClinVar contains an entry for this variant (Variation ID: 560528). Algorithms developed to predict the effect of missense changes on protein structure and function (SIFT, PolyPhen-2, Align-GVGD) all suggest that this variant is likely to be disruptive, but these predictions have not been confirmed by published functional studies and their clinical significance is uncertain. In summary, the available evidence is currently insufficient to determine the role of this variant in disease. Therefore, it has been classified as a Variant of Uncertain Significance.

Blueprint Genetics
Classification: Uncertain significance. Last evaluated: 2020-04-12. Review status: criteria provided, single submitter. Criteria: ACMG Guidelines, 2015. Collection method: clinical testing. Allele origin: germline.

Joint Genome Diagnostic Labs from Nijmegen and Maastricht, Radboudumc and MUMC+
Classification: Uncertain significance for Cone-rod dystrophy. Last evaluated: 2016-09-01. Review status: no assertion criteria provided. Collection method: clinical testing. Allele origin: inherited. Affected: yes. Observed: 1 variant allele. Not counted in ClinVar's aggregate classification.